The following is an entry in ClinVar:

NM_001372044.2(SHANK3):c.779C>G (p.Thr260Ser)

Gene: SHANK3 (SH3 and multiple ankyrin repeat domains 3; plus strand). Cytogenetic location: 22q13.33.
Variant type: single nucleotide variant.
Coding change: c.779C>G on transcript NM_001372044.2 (MANE Select); coding-DNA position 779, C replaced by G.
Protein change: p.Thr260Ser; replaces threonine 260 with serine.
Molecular consequence: missense variant.
Genome position (GRCh38, 1-based): chr22:50,678,874, C>G. VCF-style: chr22-50678874-C-G. GRCh37 (hg19) VCF-style: chr22-51117302-C-G.
Other names: c.554C>G (NM_033517.1); short protein forms T260S.
Identifiers: ClinVar variation 3364631 (VCV003364631.1).

ClinVar aggregate classification (germline): Uncertain significance (1 of 4 stars; one submission).

Submission:

GeneDx
Classification: Uncertain significance. Last evaluated: 2023-11-22. Review status: criteria provided, single submitter. Criteria: GeneDx Variant Classification Process June 2021. Collection method: clinical testing. Allele origin: germline. Affected: yes.
Comment: Not observed at significant frequency in large population cohorts (gnomAD); In silico analysis supports that this missense variant has a deleterious effect on protein structure/function; Has not been previously published as pathogenic or benign to our knowledge